The following is an entry in ClinVar:

ClinVar aggregate classification (germline): Uncertain significance (1 of 4 stars; one submission).

Allele frequency attached by ClinVar (database versions not stated): gnomAD exomes below 0.00001 and 0.00001; TOPMed 0.00001.
gnomAD v4.1: 5 of 1,612,054 alleles (0.00031%); highest among the groups gnomAD compares: Admixed American, 0.0067%; no homozygotes.

Submission:

Labcorp Genetics (formerly Invitae), Labcorp
Classification: Uncertain significance. Last evaluated: 2023-04-03. Review status: criteria provided, single submitter. Criteria: Invitae Variant Classification Sherloc (09022015). Collection method: clinical testing. Allele origin: germline.
Comment: Algorithms developed to predict the effect of missense changes on protein structure and function output the following: SIFT: "Not Available"; PolyPhen-2: "Benign"; Align-GVGD: "Not Available". The leucine amino acid residue is found in multiple mammalian species, which suggests that this missense change does not adversely affect protein function. In summary, the available evidence is currently insufficient to determine the role of this variant in disease. Therefore, it has been classified as a Variant of Uncertain Significance. ClinVar contains an entry for this variant (Variation ID: 1361513). This variant has not been reported in the literature in individuals affected with ERBIN-related conditions. This variant is present in population databases (no rsID available, gnomAD 0.009%). This sequence change replaces proline, which is neutral and non-polar, with leucine, which is neutral and non-polar, at codon 564 of the ERBIN protein (p.Pro564Leu).

NM_001253697.2(ERBIN):c.1691C>T (p.Pro564Leu)

Gene: ERBIN (erbb2 interacting protein; plus strand). Cytogenetic location: 5q12.3.
Variant type: single nucleotide variant.
Coding change: c.1691C>T on transcript NM_001253697.2 (MANE Select); coding-DNA position 1691, C replaced by T.
Protein change: p.Pro564Leu; replaces proline 564 with leucine.
Molecular consequence: missense variant.
Genome position (GRCh38, 1-based): chr5:66,046,441, C>T. VCF-style: chr5-66046441-C-T. GRCh37 (hg19) VCF-style: chr5-65342269-C-T.
Other names: c.1691C>T, p.Pro564Leu (NM_001006600.3, NM_001253698.2, NM_001253699.2 and 1 more transcripts); c.1679C>T, p.Pro560Leu (NM_001253701.2); short protein forms P560L, P564L.
Identifiers: ClinVar variation 1361513 (VCV001361513.8), dbSNP rs937952941, ClinGen allele CA119862476.